The following is an entry in ClinVar:

ClinVar aggregate classification (germline): Uncertain significance (1 of 4 stars; one submission).

Conditions:
Charcot-Marie-Tooth disease type 4. Also called: Charcot-Marie-Tooth disease, type IV; Charcot-Marie-Tooth, Type 4. Identifiers: Orphanet 64749, MedGen C4082197, MONDO:0018995.

Allele frequency attached by ClinVar (database versions not stated): gnomAD 0.00001.
gnomAD v4.1: 2 of 1,613,470 alleles (0.00012%); highest among the groups gnomAD compares: African/African-American, 0.0013%; no homozygotes.

Submission:

Labcorp Genetics (formerly Invitae), Labcorp
Classification: Uncertain significance for Charcot-Marie-Tooth disease type 4. Last evaluated: 2022-10-17. Review status: criteria provided, single submitter. Criteria: Invitae Variant Classification Sherloc (09022015). Collection method: clinical testing. Allele origin: germline.
Comment: In summary, the available evidence is currently insufficient to determine the role of this variant in disease. Therefore, it has been classified as a Variant of Uncertain Significance. Algorithms developed to predict the effect of sequence changes on RNA splicing suggest that this variant may disrupt the consensus splice site. Algorithms developed to predict the effect of missense changes on protein structure and function (SIFT, PolyPhen-2, Align-GVGD) all suggest that this variant is likely to be tolerated. ClinVar contains an entry for this variant (Variation ID: 579132). This variant has not been reported in the literature in individuals affected with FIG4-related conditions. This variant is present in population databases (no rsID available, gnomAD 0.01%). This sequence change replaces phenylalanine, which is neutral and non-polar, with leucine, which is neutral and non-polar, at codon 446 of the FIG4 protein (p.Phe446Leu).

NM_014845.6(FIG4):c.1338C>G (p.Phe446Leu)

Gene: FIG4 (FIG4 phosphoinositide 5-phosphatase; plus strand). Cytogenetic location: 6q21.
Variant type: single nucleotide variant.
Coding change: c.1338C>G on transcript NM_014845.6 (MANE Select); coding-DNA position 1338, C replaced by G.
Protein change: p.Phe446Leu; replaces phenylalanine 446 with leucine.
Molecular consequence: missense variant.
Genome position (GRCh38, 1-based): chr6:109,762,157, C>G. VCF-style: chr6-109762157-C-G. GRCh37 (hg19) VCF-style: chr6-110083360-C-G.
Other names: short protein forms F446L.
Identifiers: ClinVar variation 579132 (VCV000579132.8), dbSNP rs1353768172, ClinGen allele CA365226243.